The following is an entry in ClinVar:

ClinVar aggregate classification (germline): Conflicting classifications of pathogenicity. Review status: criteria provided, conflicting classifications (1 of 4 stars). 3 submissions from 3 submitters: Uncertain significance (2); Likely benign (1). Last evaluated 2025-07-23.

Conditions:
Tatton-Brown-Rahman overgrowth syndrome. Also called: Tatton-Brown-Rahman syndrome; Tall stature-intellectual disability-facial dysmorphism syndrome. Identifiers: Orphanet 404443, MedGen C4014545, MONDO:0014382, OMIM 615879.
Craniosynostosis syndrome. Also called: Craniosynostosis. Identifiers: Orphanet 1531, MedGen C0010278, MeSH D003398, MONDO:0015469, HP:0001363.

Allele frequency attached by ClinVar (database versions not stated): gnomAD 0.00001; gnomAD exomes 0.00002 and 0.00003; TOPMed 0.00002.
gnomAD v4.1: 38 of 1,549,796 alleles (0.0025%); highest among the groups gnomAD compares: Non-Finnish European, 0.0031%; no homozygotes.

Submissions (3):

Labcorp Genetics (formerly Invitae), Labcorp
Classification: Uncertain significance for Tatton-Brown-Rahman overgrowth syndrome. Last evaluated: 2025-07-23. Review status: criteria provided, single submitter. Criteria: Invitae Variant Classification Sherloc (09022015). Collection method: clinical testing. Allele origin: germline.
Comment: This sequence change replaces glutamic acid, which is acidic and polar, with lysine, which is basic and polar, at codon 20 of the DNMT3A protein (p.Glu20Lys). The frequency data for this variant in the population databases is considered unreliable, as metrics indicate poor data quality at this position in the gnomAD database. This variant has not been reported in the literature in individuals affected with DNMT3A-related conditions. ClinVar contains an entry for this variant (Variation ID: 808702). Invitae Evidence Modeling of protein sequence and biophysical properties (such as structural, functional, and spatial information, amino acid conservation, physicochemical variation, residue mobility, and thermodynamic stability) indicates that this missense variant is not expected to disrupt DNMT3A protein function with a negative predictive value of 95%. In summary, the available evidence is currently insufficient to determine the role of this variant in disease. Therefore, it has been classified as a Variant of Uncertain Significance.

Cambridge Genomics Laboratory, East Genomic Laboratory Hub, NHS Genomic Medicine Service
Classification: Likely benign for Craniosynostosis syndrome. Last evaluated: 2019-08-08. Review status: criteria provided, single submitter. Criteria: ACGS Best Practice Guidelines for Variant Classification in Rare Disease 2020. Collection method: clinical testing. Allele origin: germline. Affected: yes. Observed: 1 variant allele.

CeGaT Center for Human Genetics Tuebingen
Classification: Uncertain significance. Last evaluated: 2019-01-01. Review status: criteria provided, single submitter. Criteria: CeGaT Center For Human Genetics Tuebingen Variant Classification Criteria Version 2. Collection method: clinical testing. Allele origin: germline. Affected: yes. Observed: 1 variant allele.

NM_022552.5(DNMT3A):c.58G>A (p.Glu20Lys)

Gene: DNMT3A (DNA methyltransferase 3 alpha; minus strand). Cytogenetic location: 2p23.3.
Variant type: single nucleotide variant.
Coding change: c.58G>A on transcript NM_022552.5 (MANE Select); coding-DNA position 58, G replaced by A.
Protein change: p.Glu20Lys; replaces glutamic acid 20 with lysine.
Molecular consequence: missense variant. On other transcripts: non-coding transcript variant (1).
Genome position (GRCh38, 1-based): chr2:25,313,927, C>T on the plus strand (G>A on the coding strand, the complement: DNMT3A is on the minus strand). VCF-style: chr2-25313927-C-T. GRCh37 (hg19) VCF-style: chr2-25536796-C-T.
Other names: c.58G>A, p.Glu20Lys (NM_001320892.2, NM_175629.2, NM_175630.1); short protein forms E20K.
Identifiers: ClinVar variation 808702 (VCV000808702.45), dbSNP rs781254365, ClinGen allele CA44279226.